The following is an entry in ClinVar:

ClinVar aggregate classification (germline): Uncertain significance (1 of 4 stars; one submission).

Submission:

Labcorp Genetics (formerly Invitae), Labcorp
Classification: Uncertain significance. Last evaluated: 2024-05-19. Review status: criteria provided, single submitter. Criteria: Invitae Variant Classification Sherloc (09022015). Collection method: clinical testing. Allele origin: germline.
Comment: The TCF3 gene has multiple clinically relevant transcripts. This variant occurs in alternate transcript NM_001136139.3, and corresponds to NM_003200.4:c.1823-554G>C in the primary transcript. This sequence change replaces glutamic acid, which is acidic and polar, with aspartic acid, which is acidic and polar, at codon 539 of the TCF3 protein (p.Glu539Asp). This variant is not present in population databases (gnomAD no frequency). This variant has not been reported in the literature in individuals affected with TCF3-related conditions. Experimental studies and prediction algorithms are not available or were not evaluated, and the functional significance of this variant is currently unknown. Algorithms developed to predict the effect of sequence changes on RNA splicing suggest that this variant is not likely to affect RNA splicing. In summary, the available evidence is currently insufficient to determine the role of this variant in disease. Therefore, it has been classified as a Variant of Uncertain Significance.

NM_001136139.4(TCF3):c.1617G>C (p.Glu539Asp)

Gene: TCF3 (transcription factor 3; minus strand). Cytogenetic location: 19p13.3.
Variant type: single nucleotide variant.
Coding change: c.1617G>C on transcript NM_001136139.4 (MANE Plus Clinical); coding-DNA position 1617, G replaced by C.
Protein change: p.Glu539Asp; replaces glutamic acid 539 with aspartic acid.
Molecular consequence: missense variant. On other transcripts: intron variant (2).
Genome position (GRCh38, 1-based): chr19:1,612,403, C>G on the plus strand (G>C on the coding strand, the complement: TCF3 is on the minus strand). VCF-style: chr19-1612403-C-G. GRCh37 (hg19) VCF-style: chr19-1612402-C-G.
Other names: c.1617G>C, p.Glu539Asp (NM_001351779.2); c.1820-554G>C (NM_001351778.2); c.1823-554G>C (NM_003200.5); short protein forms E539D.
Identifiers: ClinVar variation 3696245 (VCV003696245.2).
Genomic context (GRCh38, chr19:1,612,403, plus strand): 5'-CACGCGCACCCGCTCCCGCGCGTTATTGGCCATGCGCCTCTCCCGGTCCCTCAGGTCTTT[C>G]TCCTCCAGGGACAGCACCTCGTCCGTACTGCTGGGTCACAGCACCGAGGCCTCTGTTAGT-3'
Protein context (NP_001129611.1, residues 529-549): SSTDEVLSLE[Glu539Asp]KDLRDRERRM